The following is an entry in ClinVar:

NM_001126108.2(SLC12A3):c.1046C>T (p.Pro349Leu)

Gene: SLC12A3 (solute carrier family 12 member 3; plus strand). Cytogenetic location: 16q13.
Variant type: single nucleotide variant.
Coding change: c.1046C>T on transcript NM_001126108.2 (MANE Select); coding-DNA position 1046, C replaced by T.
Protein change: p.Pro349Leu; replaces proline 349 with leucine.
Molecular consequence: missense variant.
Genome position (GRCh38, 1-based): chr16:56,872,737, C>T. VCF-style: chr16-56872737-C-T. GRCh37 (hg19) VCF-style: chr16-56906649-C-T.
Other names: c.1046C>T, p.Pro349Leu (NM_000339.3); c.1043C>T, p.Pro348Leu (NM_001126107.2); short protein forms P349L, P348L.
Identifiers: ClinVar variation 8592 (VCV000008592.19), dbSNP rs121909383, ClinGen allele CA119776.

ClinVar aggregate classification (germline): Pathogenic/Likely pathogenic. Review status: criteria provided, multiple submitters, no conflicts (2 of 4 stars). 7 submissions from 7 submitters: Pathogenic (4); Likely pathogenic (2). 1 of the submissions does not count toward it. Last evaluated 2026-06-19.

Conditions:
SLC12A3-related disorder. Also called: SLC12A3-related condition.
Renal tubular acidosis. Identifiers: MedGen C0001126, MONDO:0001909, HP:0001947.
Familial hypokalemia-hypomagnesemia (GTLMNS). Also called: HYPOMAGNESEMIA-HYPOKALEMIA, PRIMARY RENOTUBULAR, WITH HYPOCALCIURIA; gitelman syndrome; POTASSIUM AND MAGNESIUM DEPLETION. Identifiers: Orphanet 358, MedGen C0268450, MONDO:0009904, OMIM 263800.

Allele frequency attached by ClinVar (database versions not stated): gnomAD exomes below 0.00001 and 0.00006; gnomAD 0.00001; TOPMed 0.00001.
gnomAD v4.1: 83 of 1,614,136 alleles (0.0051%); highest among the groups gnomAD compares: Non-Finnish European, 0.0067%; no homozygotes.

Submissions (7):

Women's Health and Genetics/Laboratory Corporation of America, LabCorp
Classification: Pathogenic for Familial hypokalemia-hypomagnesemia. Last evaluated: 2026-06-19. Review status: criteria provided, single submitter. Criteria: LabCorp Variant Classification Summary - May 2015. Collection method: clinical testing. Allele origin: germline.
Comment: Variant summary: SLC12A3 c.1046C>T (p.Pro349Leu) results in a non-conservative amino acid change in the encoded protein sequence. Algorithms developed to predict the effect of missense changes on protein structure and function all suggest that this variant is likely to be disruptive. The variant allele was found at a frequency of 4e-06 in 251466 control chromosomes. c.1046C>T has been observed in a homozygous or compound heterozygous state in individuals affected with Familial Hypokalemia-Hypomagnesemia (examples: Simon_1996, Palazzo_20222, Vargas-Poussou_2011). These data indicate that the variant is likely to be associated with disease. To our knowledge, no experimental evidence demonstrating an impact on protein function has been reported. Internally validated machine learning-based Evidence Modelingof protein sequence and biophysical properties (such as structural, functional, and spatial information, amino acid conservation, physicochemical variation, residue mobility, and thermodynamic stability) indicates that this missense variant is expected to disrupt SLC12A3 protein function with a positive predictive value of at least 95%. The following publication has been ascertained in the context of this evaluation (PMID: 8528245, 35628451, 21415153). ClinVar contains an entry for this variant (Variation ID: 8592). Based on the evidence outlined above, the variant was classified as pathogenic.

Labcorp Genetics (formerly Invitae), Labcorp
Classification: Pathogenic. Last evaluated: 2025-11-24. Review status: criteria provided, single submitter. Criteria: Invitae Variant Classification Sherloc (09022015). Collection method: clinical testing. Allele origin: germline.
Comment: This sequence change replaces proline, which is neutral and non-polar, with leucine, which is neutral and non-polar, at codon 349 of the SLC12A3 protein (p.Pro349Leu). This variant is present in population databases (rs121909383, gnomAD 0.007%). This missense change has been observed in individuals with Gitelman's syndrome (PMID: 8528245, 8900229, 21415153). It has also been observed to segregate with disease in related individuals. ClinVar contains an entry for this variant (Variation ID: 8592). Invitae Evidence Modeling of protein sequence and biophysical properties (such as structural, functional, and spatial information, amino acid conservation, physicochemical variation, residue mobility, and thermodynamic stability) indicates that this missense variant is expected to disrupt SLC12A3 protein function with a positive predictive value of 95%. For these reasons, this variant has been classified as Pathogenic.

Natera, Inc.
Classification: Likely pathogenic for Gitelman syndrome. Last evaluated: 2025-02-17. Review status: criteria provided, single submitter. Criteria: Natera Variant Classification Schema (03/2026). Collection method: clinical testing. Allele origin: germline.
Comment: The c.1046C>T variant in SLC12A3 is a missense variant predicted to cause substitution of proline to leucine at amino acid 349. This variant is rare in the general population with a frequency below the threshold expected for the associated phenotype(s). This variant has been observed in one or more individuals affected with the associated recessive disease, as either homozygous or compound heterozygous with a second variant (PMID: 8528245, 21415153, 35628451). Additionally, this variant has been observed to segregate in affected family members (PMID: 8528245). Computational prediction algorithms indicate this variant is likely to affect gene or protein function. Given the available evidence, this variant is classified as Likely Pathogenic.

Blueprint Genetics
Classification: Pathogenic for SLC12A3-related disorders. Last evaluated: 2024-06-27. Review status: criteria provided, single submitter. Criteria: ACMG Guidelines, 2015. Collection method: clinical testing. Allele origin: germline. Affected: yes. Observed: 3 variant alleles.

Fulgent Genetics
Classification: Pathogenic for Familial hypokalemia-hypomagnesemia. Last evaluated: 2024-01-05. Review status: criteria provided, single submitter. Criteria: ACMG Guidelines, 2015. Collection method: clinical testing. Allele origin: germline.

Cambridge Genomics Laboratory, East Genomic Laboratory Hub, NHS Genomic Medicine Service
Classification: Likely pathogenic for Renal tubular acidosis. Last evaluated: 2019-12-10. Review status: criteria provided, single submitter. Criteria: ACGS Best Practice Guidelines for Variant Classification in Rare Disease 2020. Collection method: clinical testing. Allele origin: germline. Affected: yes. Observed: 1 variant allele.

OMIM
Classification: Pathogenic for GITELMAN SYNDROME. Last evaluated: 1996-01-01. Review status: no assertion criteria provided. Collection method: literature only. Allele origin: germline. Not counted in ClinVar's aggregate classification.

Literature cited by the submitters: PubMed 21415153 (cited by 3 submitters); PubMed 35628451 (cited by Women's Health and Genetics/Laboratory Corporation of America, LabCorp and Natera, Inc.); PubMed 8528245 (cited by 4 submitters); PubMed 8900229 (cited by Labcorp Genetics (formerly Invitae), Labcorp).